The following is an entry in ClinVar:

NM_001378418.1(TCF20):c.4066G>A (p.Val1356Ile)

Gene: TCF20 (transcription factor 20; minus strand). Cytogenetic location: 22q13.2.
Variant type: single nucleotide variant.
Coding change: c.4066G>A on transcript NM_001378418.1 (MANE Select); coding-DNA position 4066, G replaced by A.
Protein change: p.Val1356Ile; replaces valine 1356 with isoleucine.
Molecular consequence: missense variant.
Genome position (GRCh38, 1-based): chr22:42,211,240, C>T on the plus strand (G>A on the coding strand, the complement: TCF20 is on the minus strand). VCF-style: chr22-42211240-C-T. GRCh37 (hg19) VCF-style: chr22-42607246-C-T.
Other names: c.4066G>A, p.Val1356Ile (NM_005650.4, NM_181492.3); short protein forms V1356I.
Identifiers: ClinVar variation 4779478 (VCV004779478.1).

ClinVar aggregate classification (germline): Uncertain significance (1 of 4 stars; one submission).

Submission:

Labcorp Genetics (formerly Invitae), Labcorp
Classification: Uncertain significance. Last evaluated: 2026-01-28. Review status: criteria provided, single submitter. Criteria: Invitae Variant Classification Sherloc (09022015). Collection method: clinical testing. Allele origin: germline.
Comment: This sequence change replaces valine, which is neutral and non-polar, with isoleucine, which is neutral and non-polar, at codon 1356 of the TCF20 protein (p.Val1356Ile). This variant is not present in population databases (gnomAD no frequency). This variant has not been reported in the literature in individuals affected with TCF20-related conditions. An algorithm developed to predict the effect of missense changes on protein structure and function (PolyPhen-2) suggests that this variant is likely to be disruptive. In summary, the available evidence is currently insufficient to determine the role of this variant in disease. Therefore, it has been classified as a Variant of Uncertain Significance.